The following is an entry in ClinVar:

ClinVar aggregate classification (germline): Uncertain significance. Review status: criteria provided, multiple submitters, no conflicts (2 of 4 stars). 2 submissions from 2 submitters: Uncertain significance (2). Last evaluated 2025-02-02.

Conditions:
Inborn genetic diseases. Identifiers: MedGen C0950123, MeSH D030342.

gnomAD v4.1: 2 of 1,613,862 alleles (0.00012%); highest among the groups gnomAD compares: Non-Finnish European, 0.00017%; no homozygotes.

Submissions (2):

Ambry Genetics
Classification: Uncertain significance for Inborn genetic diseases. Last evaluated: 2025-02-02. Review status: criteria provided, single submitter. Criteria: Ambry Variant Classification Scheme 2023. Collection method: clinical testing. Allele origin: germline.

GeneDx
Classification: Uncertain significance. Last evaluated: 2017-02-01. Review status: criteria provided, single submitter. Criteria: GeneDx Variant Classification (06012015). Collection method: clinical testing. Allele origin: germline. Affected: yes.
Comment: A variant of uncertain significance has been identified in the MEGF10 gene. The V245L variant has not been published as a pathogenic variant, nor has it been reported as a benign variant to our knowledge. The V245L variant is not observed in large population cohorts (Lek et al., 2016; 1000 Genomes Consortium et al., 2015; Exome Variant Server). The V245L variant is a conservative amino acid substitution, which is not likely to impact secondary protein structure as these residues share similar properties. This substitution occurs at a position that is not conserved. However, in silico analysis is inconsistent in its predictions as to whether or not the variant is damaging to the protein structure/function. Therefore, based on the currently available information, it is unclear whether this variant is a pathogenic variant or a rare benign variant.

NM_001256545.2(MEGF10):c.733G>T (p.Val245Leu)

Gene: MEGF10 (multiple EGF like domains 10; plus strand). Cytogenetic location: 5q23.2.
Variant type: single nucleotide variant.
Coding change: c.733G>T on transcript NM_001256545.2 (MANE Select); coding-DNA position 733, G replaced by T.
Protein change: p.Val245Leu; replaces valine 245 with leucine.
Molecular consequence: missense variant.
Genome position (GRCh38, 1-based): chr5:127,398,749, G>T. VCF-style: chr5-127398749-G-T. GRCh37 (hg19) VCF-style: chr5-126734441-G-T.
Other names: c.733G>T, p.Val245Leu (NM_001308119.2, NM_001308121.2, NM_032446.3); short protein forms V245L.
Identifiers: ClinVar variation 393220 (VCV000393220.3), dbSNP rs755790851, ClinGen allele CA16604776.